The following is an entry in ClinVar:

ClinVar aggregate classification (germline): Benign/Likely benign. Review status: criteria provided, multiple submitters, no conflicts (2 of 4 stars). 3 submissions from 3 submitters: Benign (1); Likely benign (2). Last evaluated 2024-03-07.

Conditions:
Hereditary cancer-predisposing syndrome. Also called: Hereditary Cancer Syndrome; Neoplastic Syndromes, Hereditary; Hereditary neoplastic syndrome; Tumor predisposition. Identifiers: Orphanet 140162, MedGen C0027672, MeSH D009386, MONDO:0015356.
Familial adenomatous polyposis 1 (FAP1). Also called: FAMILIAL ADENOMATOUS POLYPOSIS 1, ATTENUATED; POLYPOSIS, ADENOMATOUS INTESTINAL. Identifiers: MedGen C2713442, MONDO:0021056, OMIM 175100. Disease mechanism: loss of function.

Submissions (3):

Myriad Genetics, Inc.
Classification: Benign for Familial adenomatous polyposis 1. Last evaluated: 2024-03-07. Review status: criteria provided, single submitter. Criteria: Myriad Autosomal Dominant, Autosomal Recessive and X-Linked Classification Criteria (2023). Collection method: clinical testing. Allele origin: unknown.
Comment: This variant is considered benign. This variant is a silent/synonymous amino acid change and it is not expected to impact splicing.

Labcorp Genetics (formerly Invitae), Labcorp
Classification: Likely benign for Familial adenomatous polyposis 1. Last evaluated: 2022-01-26. Review status: criteria provided, single submitter. Criteria: Invitae Variant Classification Sherloc (09022015). Collection method: clinical testing. Allele origin: germline.

Ambry Genetics
Classification: Likely benign for Hereditary cancer-predisposing syndrome. Last evaluated: 2018-03-15. Review status: criteria provided, single submitter. Criteria: Ambry Variant Classification Scheme 2023. Collection method: clinical testing. Allele origin: germline.

NM_000038.6(APC):c.1599A>G (p.Leu533=)

Gene: APC (APC regulator of Wnt signaling pathway; plus strand). Cytogenetic location: 5q22.2.
Variant type: single nucleotide variant.
Coding change: c.1599A>G on transcript NM_000038.6 (MANE Select); coding-DNA position 1599, A replaced by G.
Protein change: p.Leu533=; no amino-acid change (leucine 533 retained).
Molecular consequence: synonymous variant.
Genome position (GRCh38, 1-based): chr5:112,827,979, A>G. VCF-style: chr5-112827979-A-G. GRCh37 (hg19) VCF-style: chr5-112163676-A-G.
Other names: c.1599A>G, p.Leu533= (NM_001127510.3, NM_001354895.2); c.1545A>G, p.Leu515= (NM_001127511.3); c.1653A>G, p.Leu551= (NM_001354896.2); c.1629A>G, p.Leu543= (NM_001354897.2); c.1524A>G, p.Leu508= (NM_001354898.2); c.1515A>G, p.Leu505= (NM_001354899.2); c.1476A>G, p.Leu492= (NM_001354900.2); c.1422A>G, p.Leu474= (NM_001354901.2); and 5 more.
Identifiers: ClinVar variation 1143056 (VCV001143056.12), dbSNP rs2149813778, ClinGen allele CA445756810.